The following is an entry in ClinVar:

NM_000268.4(NF2):c.952G>T (p.Val318Phe)

Gene: NF2 (NF2, moesin-ezrin-radixin like (MERLIN) tumor suppressor; plus strand). Cytogenetic location: 22q12.2.
Variant type: single nucleotide variant.
Coding change: c.952G>T on transcript NM_000268.4 (MANE Select); coding-DNA position 952, G replaced by T.
Protein change: p.Val318Phe; replaces valine 318 with phenylalanine.
Molecular consequence: missense variant. On other transcripts: non-coding transcript variant (1), intron variant (1).
Genome position (GRCh38, 1-based): chr22:29,668,399, G>T. VCF-style: chr22-29668399-G-T. GRCh37 (hg19) VCF-style: chr22-30064388-G-T.
Other names: c.952G>T, p.Val318Phe (NM_016418.5, NM_181825.3, NM_181832.3); c.826G>T, p.Val276Phe (NM_181828.3); c.829G>T, p.Val277Phe (NM_181829.3); c.703G>T, p.Val235Phe (NM_181830.3, NM_181831.3); c.447+26114G>T (NM_181833.3); short protein forms V276F, V277F, V318F, V235F.
Identifiers: ClinVar variation 957677 (VCV000957677.10), dbSNP rs996057882, ClinGen allele CA411145900.

ClinVar aggregate classification (germline): Uncertain significance (1 of 4 stars; one submission).

Conditions:
Neurofibromatosis, type 2 (SWNV). Also called: BILATERAL ACOUSTIC NEUROFIBROMATOSIS; SCHWANNOMATOSIS, VESTIBULAR; NF2-Related Schwannomatosis. Identifiers: Orphanet 637, MedGen C0027832, MONDO:0007039, OMIM 101000. Disease mechanism: loss of function.

Submission:

Labcorp Genetics (formerly Invitae), Labcorp
Classification: Uncertain significance for Neurofibromatosis, type 2. Last evaluated: 2020-02-07. Review status: criteria provided, single submitter. Criteria: Invitae Variant Classification Sherloc (09022015). Collection method: clinical testing. Allele origin: germline.
Comment: This sequence change replaces valine with phenylalanine at codon 318 of the NF2 protein (p.Val318Phe). The valine residue is highly conserved and there is a small physicochemical difference between valine and phenylalanine. This variant is not present in population databases (ExAC no frequency). This variant has not been reported in the literature in individuals with NF2-related conditions. Algorithms developed to predict the effect of missense changes on protein structure and function are either unavailable or do not agree on the potential impact of this missense change (SIFT: "Deleterious"; PolyPhen-2: "Possibly Damaging"; Align-GVGD: "Class C0"). In summary, the available evidence is currently insufficient to determine the role of this variant in disease. Therefore, it has been classified as a Variant of Uncertain Significance.